The following is an entry in ClinVar:

ClinVar aggregate classification (germline): Uncertain significance (1 of 4 stars; one submission).

Conditions:
Myofibrillar myopathy 5. Also called: Filaminopathy (type); FILAMINOPATHY, AUTOSOMAL DOMINANT. Identifiers: Orphanet 171445, MedGen C1836050, MONDO:0012289, OMIM 609524.
Hypertrophic cardiomyopathy 26. Also called: Cardiomyopathy, familial hypertrophic, 26. Identifiers: Orphanet 75249, MedGen C4310749, MONDO:0014883, OMIM 617047.
Distal myopathy with posterior leg and anterior hand involvement. Also called: WILLIAMS DISTAL MYOPATHY. Identifiers: Orphanet 63273, MedGen C3279722, MONDO:0013550, OMIM 614065.

Submission:

Labcorp Genetics (formerly Invitae), Labcorp
Classification: Uncertain significance for Distal myopathy with posterior leg and anterior hand involvement; Myofibrillar myopathy 5; Hypertrophic cardiomyopathy 26. Last evaluated: 2023-12-13. Review status: criteria provided, single submitter. Criteria: Invitae Variant Classification Sherloc (09022015). Collection method: clinical testing. Allele origin: germline.
Comment: This sequence change replaces arginine, which is basic and polar, with histidine, which is basic and polar, at codon 1352 of the FLNC protein (p.Arg1352His). The frequency data for this variant in the population databases is considered unreliable, as metrics indicate poor data quality at this position in the gnomAD database. This variant has not been reported in the literature in individuals affected with FLNC-related conditions. ClinVar contains an entry for this variant (Variation ID: 2174359). An algorithm developed to predict the effect of missense changes on protein structure and function (PolyPhen-2) suggests that this variant is likely to be disruptive. In summary, the available evidence is currently insufficient to determine the role of this variant in disease. Therefore, it has been classified as a Variant of Uncertain Significance.

NM_001458.5(FLNC):c.4055_4056delinsAT (p.Arg1352His)

Gene: FLNC (filamin C; plus strand). Cytogenetic location: 7q32.1.
Variant type: Indel.
Coding change: c.4055_4056delinsAT on transcript NM_001458.5 (MANE Select); coding-DNA positions 4055 to 4056, GC replaced by AT.
Protein change: p.Arg1352His; replaces arginine 1352 with histidine.
Molecular consequence: missense variant.
Genome position (GRCh38, 1-based): chr7:128,846,391-128,846,392, GC replaced by AT. VCF-style: chr7-128846391-GC-AT. GRCh37 (hg19) VCF-style: chr7-128486445-GC-AT.
Other names: c.4055_4056delinsAT, p.Arg1352His (NM_001127487.2); short protein forms R1352H.
Identifiers: ClinVar variation 2174359 (VCV002174359.4), dbSNP rs2536642191, ClinGen allele CA2580076642.